The following is an entry in ClinVar:

NM_000257.4(MYH7):c.1145A>C (p.Asp382Ala)

Gene: MYH7 (myosin heavy chain 7; minus strand). Cytogenetic location: 14q11.2.
Variant type: single nucleotide variant.
Coding change: c.1145A>C on transcript NM_000257.4 (MANE Select); coding-DNA position 1145, A replaced by C.
Protein change: p.Asp382Ala; replaces aspartic acid 382 with alanine.
Molecular consequence: missense variant.
Genome position (GRCh38, 1-based): chr14:23,429,341, T>G on the plus strand (A>C on the coding strand, the complement: MYH7 is on the minus strand). VCF-style: chr14-23429341-T-G. GRCh37 (hg19) VCF-style: chr14-23898550-T-G.
Other names: c.1145A>C, p.Asp382Ala (NM_001407004.1); short protein forms D382A.
Identifiers: ClinVar variation 3297515 (VCV003297515.1).
Genomic context (GRCh38, chr14:23,429,341, plus strand): 5'-GGGTGGCACAGCCCCTTGAGCAGGTCGGCTGAGTTCAGCCCCATGAGGTAGGCAGACTTG[T>G]CAGCCTCTGGAAGGAAAAGGCAAGTAGCAAAGTTGGTAAAGAGATGACTGCTGGCCAGGT-3'
Protein context (NP_000248.2, residues 372-392): QAEPDGTEEA[Asp382Ala]KSAYLMGLNS

ClinVar aggregate classification (germline): Uncertain significance (1 of 4 stars; one submission).

Conditions:
Cardiovascular phenotype. Identifiers: MedGen CN230736.

gnomAD v4.1: 1 of 1,614,132 alleles (0.000062%); highest among the groups gnomAD compares: Non-Finnish European, 0.000085%; no homozygotes.

Submission:

Ambry Genetics
Classification: Uncertain significance for Cardiovascular phenotype. Last evaluated: 2024-04-25. Review status: criteria provided, single submitter. Criteria: Ambry Variant Classification Scheme 2023. Collection method: clinical testing. Allele origin: germline.
Comment: The p.D382A variant (also known as c.1145A>C), located in coding exon 11 of the MYH7 gene, results from an A to C substitution at nucleotide position 1145. The aspartic acid at codon 382 is replaced by alanine, an amino acid with dissimilar properties. This amino acid position is highly conserved in available vertebrate species. In addition, this alteration is predicted to be deleterious by in silico analysis. Based on the available evidence, the clinical significance of this variant remains unclear.